The following is an entry in ClinVar:

NM_000057.4(BLM):c.3686_3687del (p.Leu1229fs)

Gene: BLM (BLM RecQ like helicase; plus strand). Cytogenetic location: 15q26.1.
Variant type: Deletion.
Coding change: c.3686_3687del on transcript NM_000057.4 (MANE Select); coding-DNA positions 3686 to 3687, 2 bases deleted (TG; older notation c.3686_3687delTG).
Protein change: p.Leu1229fs; shifts the reading frame from leucine 1229.
Molecular consequence: frameshift variant. On other transcripts: intron variant (1).
Genome position (GRCh38, 1-based): chr15:90,804,294-90,804,295, TG deleted. VCF-style (leftmost placement, unchanged base first): chr15-90804293-CTG-C. GRCh37 (hg19) VCF-style: chr15-91347523-CTG-C.
Other names: c.3686_3687del, p.Leu1229fs (NM_001287246.2); c.2561_2562del, p.Leu854fs (NM_001287248.2); c.3359-4843_3359-4842del (NM_001287247.2); short protein forms L1229fs, L854fs.
Identifiers: ClinVar variation 3658973 (VCV003658973.2).
Genomic context (GRCh38, chr15:90,804,293, plus strand): 5'-TCTCAGAGGGAAGAGATGGTTAAAAAATGTCTTGGAGAACTTACAGAAGTCTGCAAATCT[CTG>C]GGGAAAGTTTTTGGTGTCCATTACTTCAATATTTTTAATACCGTCACTCTCAAGAAGCTT-3'

ClinVar aggregate classification (germline): Pathogenic (1 of 4 stars; one submission).

Conditions:
Bloom syndrome (BLM). Also called: Bloom-Torre-Machacek syndrome. Identifiers: Orphanet 125, MedGen C0005859, MONDO:0008876, OMIM 210900.

Submission:

Labcorp Genetics (formerly Invitae), Labcorp
Classification: Pathogenic for Bloom syndrome. Last evaluated: 2024-07-08. Review status: criteria provided, single submitter. Criteria: Invitae Variant Classification Sherloc (09022015). Collection method: clinical testing. Allele origin: germline.
Comment: This sequence change creates a premature translational stop signal (p.Leu1229Argfs*13) in the BLM gene. It is expected to result in an absent or disrupted protein product. Loss-of-function variants in BLM are known to be pathogenic (PMID: 17407155). This variant is not present in population databases (gnomAD no frequency). This variant has not been reported in the literature in individuals affected with BLM-related conditions. For these reasons, this variant has been classified as Pathogenic.

Literature cited by the submitters: PubMed 17407155.